The following is an entry in ClinVar:

ClinVar aggregate classification (germline): Uncertain significance. Review status: criteria provided, multiple submitters, no conflicts (2 of 4 stars). 3 submissions from 3 submitters: Uncertain significance (3). Last evaluated 2025-10-01.

Conditions:
Familial sleep-related hypermotor epilepsy. Also called: Autosomal Dominant Sleep-Related Hypermotor (Hyperkinetic) Epilepsy. Identifiers: Orphanet 98784, MedGen C3696898, MONDO:0000030.
Inborn genetic diseases. Identifiers: MedGen C0950123, MeSH D030342.

Allele frequency attached by ClinVar (database versions not stated): gnomAD exomes 0.00001; TOPMed 0.00001.
gnomAD v4.1: 9 of 1,614,104 alleles (0.00056%); highest among the groups gnomAD compares: Middle Eastern, 0.016%; no homozygotes.

Submissions (3):

Labcorp Genetics (formerly Invitae), Labcorp
Classification: Uncertain significance. Last evaluated: 2025-10-01. Review status: criteria provided, single submitter. Criteria: Invitae Variant Classification Sherloc (09022015). Collection method: clinical testing. Allele origin: germline.
Comment: This sequence change replaces valine, which is neutral and non-polar, with isoleucine, which is neutral and non-polar, at codon 339 of the CHRNA2 protein (p.Val339Ile). This variant is present in population databases (no rsID available, gnomAD 0.006%). This variant has not been reported in the literature in individuals affected with CHRNA2-related conditions. ClinVar contains an entry for this variant (Variation ID: 425440). Invitae Evidence Modeling of protein sequence and biophysical properties (such as structural, functional, and spatial information, amino acid conservation, physicochemical variation, residue mobility, and thermodynamic stability) indicates that this missense variant is not expected to disrupt CHRNA2 protein function with a negative predictive value of 80%. In summary, the available evidence is currently insufficient to determine the role of this variant in disease. Therefore, it has been classified as a Variant of Uncertain Significance.

Ambry Genetics
Classification: Uncertain significance for Inborn genetic diseases. Last evaluated: 2017-05-17. Review status: criteria provided, single submitter. Criteria: Ambry Variant Classification Scheme 2023. Collection method: clinical testing. Allele origin: germline.
Comment: The p.V339I variant (also known as c.1015G>A), located in coding exon 5 of the CHRNA2 gene, results from a G to A substitution at nucleotide position 1015. The valine at codon 339 is replaced by isoleucine, an amino acid with highly similar properties. This variant was not reported in population based cohorts in the following databases: Database of Single Nucleotide Polymorphisms (dbSNP), NHLBI Exome Sequencing Project (ESP), and 1000 Genomes Project. In the ESP, this variant was not observed in 6503 samples (13006 alleles) with coverage at this position. This amino acid position is highly conserved in available vertebrate species. In addition, the in silico prediction for this alteration is inconclusive. Since supporting evidence is limited at this time, the clinical significance of this variant remains unclear.

CeGaT Center for Human Genetics Tuebingen
Classification: Uncertain significance. Last evaluated: 2016-12-01. Review status: criteria provided, single submitter. Criteria: CeGaT Center For Human Genetics Tuebingen Variant Classification Criteria Version 2. Collection method: clinical testing. Allele origin: germline. Affected: yes. Observed: 1 variant allele.

NM_000742.4(CHRNA2):c.1015G>A (p.Val339Ile)

Gene: CHRNA2 (cholinergic receptor nicotinic alpha 2 subunit; minus strand). Cytogenetic location: 8p21.2.
Variant type: single nucleotide variant.
Coding change: c.1015G>A on transcript NM_000742.4 (MANE Select); coding-DNA position 1015, G replaced by A.
Protein change: p.Val339Ile; replaces valine 339 with isoleucine.
Molecular consequence: missense variant.
Genome position (GRCh38, 1-based): chr8:27,463,428, C>T on the plus strand (G>A on the coding strand, the complement: CHRNA2 is on the minus strand). VCF-style: chr8-27463428-C-T. GRCh37 (hg19) VCF-style: chr8-27320945-C-T.
Other names: c.970G>A, p.Val324Ile (NM_001282455.2); c.538G>A, p.Val180Ile (NM_001347705.2, NM_001347706.2); c.421G>A, p.Val141Ile (NM_001347707.2, NM_001347708.2); short protein forms V339I, V141I, V324I, V180I.
Identifiers: ClinVar variation 425440 (VCV000425440.52), dbSNP rs1064797343, ClinGen allele CA16621864.
Genomic context (GRCh38, chr8:27,463,428, plus strand): 5'-TGCTGGGGGAGCGGTGGTGCACATTGAGCACGAAGACGGTGATGACGATGGACAGGGTGA[C>T]GAAGATCATGGTGAACAGCAGGTACTCGCCGATGAGCGGGATGACCAGCGAGGTGGACGG-3'
Protein context (NP_000733.2, residues 329-349): GEYLLFTMIF[Val339Ile]TLSIVITVFV